The following is an entry in ClinVar:

ClinVar aggregate classification (germline): Uncertain significance. Review status: criteria provided, single submitter (1 of 4 stars). 2 submissions from 2 submitters: Uncertain significance (1). 1 of the submissions does not count toward it. Last evaluated 2021-03-23.

Conditions:
Familial dysautonomia. Also called: HSAN III; FD. Identifiers: Orphanet 1764, MedGen C0013364, MONDO:0009131, OMIM 223900. Disease mechanism: loss of function.

Allele frequency attached by ClinVar (database versions not stated): gnomAD exomes below 0.00001; ExAC 0.00001.
gnomAD v4.1: 1 of 1,613,410 alleles (0.000062%); highest among the groups gnomAD compares: Non-Finnish European, 0.000085%; no homozygotes.

Submissions (2):

Labcorp Genetics (formerly Invitae), Labcorp
Classification: Uncertain significance. Last evaluated: 2021-03-23. Review status: criteria provided, single submitter. Criteria: Invitae Variant Classification Sherloc (09022015). Collection method: clinical testing. Allele origin: germline.
Comment: In summary, the available evidence is currently insufficient to determine the role of this variant in disease. Therefore, it has been classified as a Variant of Uncertain Significance. Algorithms developed to predict the effect of missense changes on protein structure and function are either unavailable or do not agree on the potential impact of this missense change (SIFT: "Tolerated"; PolyPhen-2: "Probably Damaging"; Align-GVGD: "Class C0"). This variant has not been reported in the literature in individuals with ELP1-related conditions. This variant is present in population databases (rs764767995, ExAC 0.002%). This sequence change replaces valine with phenylalanine at codon 105 of the ELP1 protein (p.Val105Phe). The valine residue is moderately conserved and there is a small physicochemical difference between valine and phenylalanine.

Natera, Inc.
Classification: Uncertain significance for Familial dysautonomia. Last evaluated: 2020-12-08. Review status: no assertion criteria provided. Collection method: clinical testing. Allele origin: germline. Not counted in ClinVar's aggregate classification.

NM_003640.5(ELP1):c.313G>T (p.Val105Phe)

Gene: ELP1 (elongator acetyltransferase complex subunit 1; minus strand). Cytogenetic location: 9q31.3.
Variant type: single nucleotide variant.
Coding change: c.313G>T on transcript NM_003640.5 (MANE Select); coding-DNA position 313, G replaced by T.
Protein change: p.Val105Phe; replaces valine 105 with phenylalanine.
Molecular consequence: missense variant. On other transcripts: 5 prime UTR variant (2).
Genome position (GRCh38, 1-based): chr9:108,927,444, C>A on the plus strand (G>T on the coding strand, the complement: ELP1 is on the minus strand). VCF-style: chr9-108927444-C-A. GRCh37 (hg19) VCF-style: chr9-111689724-C-A.
Other names: c.-30G>T (NM_001318360.2); c.-547G>T (NM_001330749.2); short protein forms V105F.
Identifiers: ClinVar variation 844316 (VCV000844316.9), dbSNP rs764767995, ClinGen allele CA5175394.